The following is an entry in ClinVar:

NM_000465.4(BARD1):c.1960C>T (p.Pro654Ser)

Gene: BARD1 (BRCA1 associated RING domain 1; minus strand). Cytogenetic location: 2q35.
Variant type: single nucleotide variant.
Coding change: c.1960C>T on transcript NM_000465.4 (MANE Select); coding-DNA position 1960, C replaced by T.
Protein change: p.Pro654Ser; replaces proline 654 with serine.
Molecular consequence: missense variant. On other transcripts: non-coding transcript variant (3).
Genome position (GRCh38, 1-based): chr2:214,730,452, G>A on the plus strand (C>T on the coding strand, the complement: BARD1 is on the minus strand). VCF-style: chr2-214730452-G-A. GRCh37 (hg19) VCF-style: chr2-215595176-G-A.
Other names: c.1903C>T, p.Pro635Ser (NM_001282543.2); c.607C>T, p.Pro203Ser (NM_001282545.2); c.550C>T, p.Pro184Ser (NM_001282548.2); c.421C>T, p.Pro141Ser (NM_001282549.2); short protein forms P654S, P141S, P203S, P635S, P184S.
Identifiers: ClinVar variation 246205 (VCV000246205.22), dbSNP rs876658741, ClinGen allele CA10584172.

ClinVar aggregate classification (germline): Uncertain significance. Review status: criteria provided, multiple submitters, no conflicts (2 of 4 stars). 5 submissions from 5 submitters: Uncertain significance (5). Last evaluated 2025-05-05.

Conditions:
Hereditary cancer-predisposing syndrome. Also called: Hereditary neoplastic syndrome; Neoplastic Syndromes, Hereditary; Tumor predisposition; Hereditary Cancer Syndrome. Identifiers: Orphanet 140162, MedGen C0027672, MeSH D009386, MONDO:0015356.
Familial cancer of breast. Also called: BREAST CANCER, FAMILIAL; Hereditary breast cancer; hereditary breast carcinoma. Identifiers: Orphanet 227535, MedGen C0346153, MONDO:0016419, OMIM 114480. Disease mechanism: loss of function.

Allele frequency attached by ClinVar (database versions not stated): gnomAD 0.00001; TOPMed 0.00001.
gnomAD v4.1: 2 of 1,613,588 alleles (0.00012%); highest among the groups gnomAD compares: Admixed American, 0.0033%; no homozygotes.

Submissions (5):

Labcorp Genetics (formerly Invitae), Labcorp
Classification: Uncertain significance for Familial cancer of breast. Last evaluated: 2025-05-05. Review status: criteria provided, single submitter. Criteria: Invitae Variant Classification Sherloc (09022015). Collection method: clinical testing. Allele origin: germline.
Comment: This sequence change replaces proline, which is neutral and non-polar, with serine, which is neutral and polar, at codon 654 of the BARD1 protein (p.Pro654Ser). This variant is not present in population databases (gnomAD no frequency). This variant has not been reported in the literature in individuals affected with BARD1-related conditions. ClinVar contains an entry for this variant (Variation ID: 246205). An algorithm developed to predict the effect of missense changes on protein structure and function outputs the following: PolyPhen-2: "Benign". The serine amino acid residue is found in multiple mammalian species, which suggests that this missense change does not adversely affect protein function. In summary, the available evidence is currently insufficient to determine the role of this variant in disease. Therefore, it has been classified as a Variant of Uncertain Significance.

Ambry Genetics
Classification: Uncertain significance for Hereditary cancer-predisposing syndrome. Last evaluated: 2024-03-21. Review status: criteria provided, single submitter. Criteria: Ambry Variant Classification Scheme 2023. Collection method: clinical testing. Allele origin: germline.
Comment: The p.P654S variant (also known as c.1960C>T), located in coding exon 10 of the BARD1 gene, results from a C to T substitution at nucleotide position 1960. The proline at codon 654 is replaced by serine, an amino acid with similar properties. This amino acid position is not well conserved in available vertebrate species. In addition, this alteration is predicted to be tolerated by in silico analysis. Since supporting evidence is limited at this time, the clinical significance of this alteration remains unclear.

Color Diagnostics, LLC DBA Color Health
Classification: Uncertain significance for Hereditary cancer-predisposing syndrome. Last evaluated: 2024-03-06. Review status: criteria provided, single submitter. Criteria: ACMG Guidelines, 2015. Collection method: clinical testing. Allele origin: germline.
Comment: This missense variant replaces proline with serine at codon 654 of the BARD1 protein. Computational prediction suggests that this variant may not impact protein structure and function (internally defined REVEL score threshold <= 0.5, PMID: 27666373). To our knowledge, functional studies have not been reported for this variant. This variant has not been reported in individuals affected with hereditary cancer in the literature. This variant has not been identified in the general population by the Genome Aggregation Database (gnomAD). The available evidence is insufficient to determine the role of this variant in disease conclusively. Therefore, this variant is classified as a Variant of Uncertain Significance.

GeneDx
Classification: Uncertain significance. Last evaluated: 2023-07-25. Review status: criteria provided, single submitter. Criteria: GeneDx Variant Classification Process June 2021. Collection method: clinical testing. Allele origin: germline. Affected: yes.
Comment: Not observed at significant frequency in large population cohorts (gnomAD); In silico analysis supports that this missense variant does not alter protein structure/function; Has not been previously published as a pathogenic or benign germline variant to our knowledge; This variant is associated with the following publications: (PMID: 25759019, 29292755, 17550235, 30093976)

Women's Health and Genetics/Laboratory Corporation of America, LabCorp
Classification: Uncertain significance. Last evaluated: 2023-05-12. Review status: criteria provided, single submitter. Criteria: LabCorp Variant Classification Summary - May 2015. Collection method: clinical testing. Allele origin: germline.
Comment: Variant summary: BARD1 c.1960C>T (p.Pro654Ser) results in a non-conservative amino acid change in the encoded protein sequence. Four of five in-silico tools predict a benign effect of the variant on protein function. The variant was absent in 251360 control chromosomes (gnomAD). The available data on variant occurrences in the general population are insufficient to allow any conclusion about variant significance. To our knowledge, no occurrence of c.1960C>T in individuals affected with Breast Cancer and no experimental evidence demonstrating its impact on protein function have been reported. Four clinical diagnostic laboratories have submitted clinical-significance assessments for this variant to ClinVar after 2014 and all classified the variant as uncertain significance. Based on the evidence outlined above, the variant was classified as uncertain significance.